The following is an entry in ClinVar:

ClinVar aggregate classification (germline): Uncertain significance (1 of 4 stars; one submission).

gnomAD v4.1: 1 of 1,613,966 alleles (0.000062%); highest among the groups gnomAD compares: African/African-American, 0.0013%; no homozygotes.

Submission:

Labcorp Genetics (formerly Invitae), Labcorp
Classification: Uncertain significance. Last evaluated: 2025-08-18. Review status: criteria provided, single submitter. Criteria: Invitae Variant Classification Sherloc (09022015). Collection method: clinical testing. Allele origin: germline.
Comment: This sequence change replaces threonine, which is neutral and polar, with serine, which is neutral and polar, at codon 407 of the COL7A1 protein (p.Thr407Ser). This variant is present in population databases (no rsID available, gnomAD 0.01%). This variant has not been reported in the literature in individuals affected with COL7A1-related conditions. Invitae Evidence Modeling of protein sequence and biophysical properties (such as structural, functional, and spatial information, amino acid conservation, physicochemical variation, residue mobility, and thermodynamic stability) indicates that this missense variant is not expected to disrupt COL7A1 protein function with a negative predictive value of 95%. In summary, the available evidence is currently insufficient to determine the role of this variant in disease. Therefore, it has been classified as a Variant of Uncertain Significance.

NM_000094.4(COL7A1):c.1219A>T (p.Thr407Ser)

Gene: COL7A1 (collagen type VII alpha 1 chain; minus strand). Cytogenetic location: 3p21.31.
Variant type: single nucleotide variant.
Coding change: c.1219A>T on transcript NM_000094.4 (MANE Select); coding-DNA position 1219, A replaced by T.
Protein change: p.Thr407Ser; replaces threonine 407 with serine.
Molecular consequence: missense variant.
Genome position (GRCh38, 1-based): chr3:48,592,123, T>A on the plus strand (A>T on the coding strand, the complement: COL7A1 is on the minus strand). VCF-style: chr3-48592123-T-A. GRCh37 (hg19) VCF-style: chr3-48629556-T-A.
Other names: short protein forms T407S.
Identifiers: ClinVar variation 4715096 (VCV004715096.1).